The following is an entry in ClinVar:

NM_198965.2(PTHLH):c.365C>A (p.Pro122His)

Gene: PTHLH (parathyroid hormone like hormone; minus strand). Cytogenetic location: 12p11.22.
Variant type: single nucleotide variant.
Coding change: c.365C>A on transcript NM_198965.2 (MANE Select); coding-DNA position 365, C replaced by A.
Protein change: p.Pro122His; replaces proline 122 with histidine.
Molecular consequence: missense variant.
Genome position (GRCh38, 1-based): chr12:27,963,507, G>T on the plus strand (C>A on the coding strand, the complement: PTHLH is on the minus strand). VCF-style: chr12-27963507-G-T. GRCh37 (hg19) VCF-style: chr12-28116440-G-T.
Other names: c.365C>A, p.Pro122His (NM_002820.3, NM_198964.2, NM_198966.2); short protein forms P122H.
Identifiers: ClinVar variation 2766568 (VCV002766568.3), dbSNP rs1364966748, ClinGen allele CA384339078.

ClinVar aggregate classification (germline): Uncertain significance (1 of 4 stars; one submission).

Submission:

Labcorp Genetics (formerly Invitae), Labcorp
Classification: Uncertain significance. Last evaluated: 2025-09-29. Review status: criteria provided, single submitter. Criteria: Invitae Variant Classification Sherloc (09022015). Collection method: clinical testing. Allele origin: germline.
Comment: This sequence change replaces proline, which is neutral and non-polar, with histidine, which is basic and polar, at codon 122 of the PTHLH protein (p.Pro122His). This variant is not present in population databases (gnomAD no frequency). This variant has not been reported in the literature in individuals affected with PTHLH-related conditions. ClinVar contains an entry for this variant (Variation ID: 2766568). An algorithm developed to predict the effect of missense changes on protein structure and function (PolyPhen-2) suggests that this variant is likely to be disruptive. In summary, the available evidence is currently insufficient to determine the role of this variant in disease. Therefore, it has been classified as a Variant of Uncertain Significance.